The following is an entry in ClinVar:

ClinVar aggregate classification (germline): Uncertain significance (1 of 4 stars; one submission).

Allele frequency attached by ClinVar (database versions not stated): gnomAD exomes below 0.00001.
gnomAD v4.1: 2 of 1,614,038 alleles (0.00012%); highest among the groups gnomAD compares: South Asian, 0.0022%; no homozygotes.

Submission:

Ambry Genetics
Classification: Uncertain significance. Last evaluated: 2024-06-06. Review status: criteria provided, single submitter. Criteria: Ambry Variant Classification Scheme 2023. Collection method: clinical testing. Allele origin: germline.
Comment: The p.P1699S variant (also known as c.5095C>T), located in coding exon 4 of the ALPK2 gene, results from a C to T substitution at nucleotide position 5095. The proline at codon 1699 is replaced by serine, an amino acid with similar properties. This amino acid position is conserved. In addition, this alteration is predicted to be tolerated by in silico analysis. Since supporting evidence is limited at this time, the clinical significance of this alteration remains unclear.

NM_052947.4(ALPK2):c.5095C>T (p.Pro1699Ser)

Genes: ALPK2 (alpha kinase 2; minus strand), LOC130062577 (ATAC-STARR-seq lymphoblastoid active region 13389; plus strand). Cytogenetic location: 18q21.31.
Variant type: single nucleotide variant.
Coding change: c.5095C>T on transcript NM_052947.4 (MANE Select); coding-DNA position 5095, C replaced by T.
Protein change: p.Pro1699Ser; replaces proline 1699 with serine.
Molecular consequence: missense variant.
Genome position (GRCh38, 1-based): chr18:58,535,092, G>A on the plus strand (C>T on the coding strand, the complement: ALPK2 is on the minus strand). VCF-style: chr18-58535092-G-A. GRCh37 (hg19) VCF-style: chr18-56202324-G-A.
Other names: short protein forms P1699S.
Identifiers: ClinVar variation 1745294 (VCV001745294.3), dbSNP rs2518873492, ClinGen allele CA402558182.